The following is an entry in ClinVar:

NM_005529.7(HSPG2):c.11704C>T (p.Arg3902Trp)

Gene: HSPG2 (heparan sulfate proteoglycan 2; minus strand). Cytogenetic location: 1p36.12.
Variant type: single nucleotide variant.
Coding change: c.11704C>T on transcript NM_005529.7 (MANE Select); coding-DNA position 11704, C replaced by T.
Protein change: p.Arg3902Trp; replaces arginine 3902 with tryptophan.
Molecular consequence: missense variant.
Genome position (GRCh38, 1-based): chr1:21,830,059, G>A on the plus strand (C>T on the coding strand, the complement: HSPG2 is on the minus strand). VCF-style: chr1-21830059-G-A. GRCh37 (hg19) VCF-style: chr1-22156552-G-A.
Other names: c.11707C>T, p.Arg3903Trp (NM_001291860.2); c.11704C>T (NM_005529.5); short protein forms R3902W, R3903W.
Identifiers: ClinVar variation 2182052 (VCV002182052.6), dbSNP rs369444776, ClinGen allele CA669665.

ClinVar aggregate classification (germline): Uncertain significance. Review status: criteria provided, multiple submitters, no conflicts (2 of 4 stars). 3 submissions from 3 submitters: Uncertain significance (3). Last evaluated 2023-03-24.

Conditions:
Inborn genetic diseases. Identifiers: MedGen C0950123, MeSH D030342.

Allele frequency attached by ClinVar (database versions not stated): ExAC 0.00003; TOPMed 0.00003; gnomAD 0.00004; ESP Exome Variant Server 0.00008.
gnomAD v4.1: 82 of 1,603,406 alleles (0.0051%); highest among the groups gnomAD compares: African/African-American, 0.011%; no homozygotes.

Submissions (3):

Ambry Genetics
Classification: Uncertain significance for Inborn genetic diseases. Last evaluated: 2023-03-24. Review status: criteria provided, single submitter. Criteria: Ambry Variant Classification Scheme 2023. Collection method: clinical testing. Allele origin: germline.

Labcorp Genetics (formerly Invitae), Labcorp
Classification: Uncertain significance. Last evaluated: 2022-04-06. Review status: criteria provided, single submitter. Criteria: Invitae Variant Classification Sherloc (09022015). Collection method: clinical testing. Allele origin: germline.
Comment: This sequence change replaces arginine, which is basic and polar, with tryptophan, which is neutral and slightly polar, at codon 3902 of the HSPG2 protein (p.Arg3902Trp). This variant is present in population databases (rs369444776, gnomAD 0.009%). This variant has not been reported in the literature in individuals affected with HSPG2-related conditions. Algorithms developed to predict the effect of missense changes on protein structure and function are either unavailable or do not agree on the potential impact of this missense change (SIFT: "Deleterious"; PolyPhen-2: "Probably Damaging"; Align-GVGD: "Class C0"). In summary, the available evidence is currently insufficient to determine the role of this variant in disease. Therefore, it has been classified as a Variant of Uncertain Significance.

Revvity Omics, Revvity
Classification: Uncertain significance. Last evaluated: 2019-11-19. Review status: criteria provided, single submitter. Criteria: ACMG Guidelines, 2015. Collection method: clinical testing. Allele origin: germline.